The following is an entry in ClinVar:

NM_172364.5(CACNA2D4):c.1238C>T (p.Pro413Leu)

Gene: CACNA2D4 (calcium voltage-gated channel auxiliary subunit alpha2delta 4; minus strand). Cytogenetic location: 12p13.33.
Variant type: single nucleotide variant.
Coding change: c.1238C>T on transcript NM_172364.5 (MANE Select); coding-DNA position 1238, C replaced by T.
Protein change: p.Pro413Leu; replaces proline 413 with leucine.
Molecular consequence: missense variant.
Genome position (GRCh38, 1-based): chr12:1,884,802, G>A on the plus strand (C>T on the coding strand, the complement: CACNA2D4 is on the minus strand). VCF-style: chr12-1884802-G-A. GRCh37 (hg19) VCF-style: chr12-1993968-G-A.
Other names: short protein forms P413L.
Identifiers: ClinVar variation 1428074 (VCV001428074.7), dbSNP rs758961705, ClinGen allele CA6387217.

ClinVar aggregate classification (germline): Uncertain significance. Review status: criteria provided, multiple submitters, no conflicts (2 of 4 stars). 2 submissions from 2 submitters: Uncertain significance (2). Last evaluated 2025-11-19.

Allele frequency attached by ClinVar (database versions not stated): gnomAD 0.00001 and 0.00002; TOPMed 0.00001; gnomAD exomes 0.00002; ExAC 0.00003.
gnomAD v4.1: 26 of 1,613,656 alleles (0.0016%); highest among the groups gnomAD compares: South Asian, 0.0077%; no homozygotes.

Submissions (2):

Labcorp Genetics (formerly Invitae), Labcorp
Classification: Uncertain significance. Last evaluated: 2025-11-19. Review status: criteria provided, single submitter. Criteria: Invitae Variant Classification Sherloc (09022015). Collection method: clinical testing. Allele origin: germline.
Comment: This sequence change replaces proline, which is neutral and non-polar, with leucine, which is neutral and non-polar, at codon 413 of the CACNA2D4 protein (p.Pro413Leu). This variant is present in population databases (rs758961705, gnomAD 0.01%). This variant has not been reported in the literature in individuals affected with CACNA2D4-related conditions. ClinVar contains an entry for this variant (Variation ID: 1428074). An algorithm developed to predict the effect of missense changes on protein structure and function (PolyPhen-2) suggests that this variant is likely to be tolerated. In summary, the available evidence is currently insufficient to determine the role of this variant in disease. Therefore, it has been classified as a Variant of Uncertain Significance.

Blueprint Genetics
Classification: Uncertain significance. Last evaluated: 2023-05-29. Review status: criteria provided, single submitter. Criteria: ACMG Guidelines, 2015. Collection method: clinical testing. Allele origin: germline.